The following is an entry in ClinVar:

ClinVar aggregate classification (germline): Benign. Review status: criteria provided, multiple submitters, no conflicts (2 of 4 stars). 21 submissions from 21 submitters: Benign (13). 8 of the submissions do not count toward it. Last evaluated 2026-02-03.

Conditions:
TTR-related disorder. Also called: TTR-related condition; TTR-related disorders.
Cardiovascular phenotype. Identifiers: MedGen CN230736.
Charcot-Marie-Tooth disease. Also called: Charcot-Marie-Tooth Neuropathy; Charcot-Marie-Tooth Hereditary Neuropathy. Identifiers: Orphanet 166, MedGen C0007959, MONDO:0015626.
Cardiomyopathy (CMYO). Also called: Cardiomyopathies. Identifiers: Orphanet 167848, MedGen C0878544, MONDO:0004994, HP:0001638. Inheritance: Various modes of inheritance.
Amyloidosis, hereditary systemic 1 (AMYLD1). Also called: Hereditary Transthyretin Amyloidosis; AMYLOID CARDIOMYOPATHY; Familial amyloid polyneuropathy; Isolated Cardiac Amyloidosis; Amyloid Cardiomyopathy, Transthyretin-related; Transthyretin Amyloidosis. Identifiers: Orphanet 85447, Orphanet 85451, MedGen C2751492, MONDO:0971004, OMIM 105210.

Allele frequency attached by ClinVar (database versions not stated): ESP Exome Variant Server 0.00031; gnomAD exomes 0.00086 and 0.00310; gnomAD 0.00128 and 0.00177; TOPMed 0.00165; ExAC 0.00280; 1000 Genomes Project 30x 0.00812; 1000 Genomes Project 0.00919.
gnomAD v4.1: 1,811 of 1,613,994 alleles (0.11%); highest among the groups gnomAD compares: East Asian, 2.6%; 48 homozygotes.

Submissions (21):

Labcorp Genetics (formerly Invitae), Labcorp
Classification: Benign for Amyloidosis, hereditary systemic 1. Last evaluated: 2026-02-03. Review status: criteria provided, single submitter. Criteria: Invitae Variant Classification Sherloc (09022015). Collection method: clinical testing. Allele origin: germline.

Molecular Diagnostic Laboratory for Inherited Cardiovascular Disease, Montreal Heart Institute
Classification: Benign. Last evaluated: 2025-04-09. Review status: criteria provided, single submitter. Criteria: ACMG Guidelines, 2015. Collection method: clinical testing. Allele origin: germline. Affected: no.

ARUP Laboratories, Molecular Genetics and Genomics, ARUP Laboratories
Classification: Benign. Last evaluated: 2025-04-01. Review status: criteria provided, single submitter. Criteria: ARUP Molecular Germline Variant Investigation Process 2024. Collection method: clinical testing. Allele origin: germline.

Mayo Clinic Laboratories, Mayo Clinic
Classification: Benign. Last evaluated: 2024-04-19. Review status: criteria provided, single submitter. Criteria: ACMG Guidelines, 2015. Collection method: clinical testing. Allele origin: germline. Observed: 10 variant alleles.
Comment: BS1, BS2, BP4, BP7

Genetic Services Laboratory, University of Chicago
Classification: Benign. Last evaluated: 2021-11-19. Review status: criteria provided, single submitter. Criteria: ACMG Guidelines, 2015. Collection method: clinical testing. Allele origin: germline. Affected: no.

Illumina Laboratory Services, Illumina
Classification: Benign for Amyloidosis, hereditary systemic 1. Last evaluated: 2018-01-13. Review status: criteria provided, single submitter. Criteria: ICSL Variant Classification Criteria 13 December 2019. Collection method: clinical testing. Allele origin: germline.
Comment: This variant was observed in the ICSL laboratory as part of a predisposition screen in an ostensibly healthy population. It had not been previously curated by ICSL or reported in the Human Gene Mutation Database (HGMD: prior to June 1st, 2018), and was therefore a candidate for classification through an automated scoring system. Utilizing variant allele frequency, disease prevalence and penetrance estimates, and inheritance mode, an automated score was calculated to assess if this variant is too frequent to cause the disease. Based on the score and internal cut-off values, a variant classified as benign is not then subjected to further curation. The score for this variant resulted in a classification of benign for this disease.

CHEO Genetics Diagnostic Laboratory, Children's Hospital of Eastern Ontario
Classification: Benign for Cardiomyopathy. Last evaluated: 2017-07-10. Review status: criteria provided, single submitter. Criteria: ACMG Guidelines, 2015. Collection method: clinical testing. Allele origin: germline. Study: Canadian Open Genetics Repository.

Athena Diagnostics
Classification: Benign. Last evaluated: 2017-02-15. Review status: criteria provided, single submitter. Criteria: Athena Diagnostics Criteria. Collection method: clinical testing. Allele origin: germline.

Women's Health and Genetics/Laboratory Corporation of America, LabCorp
Classification: Benign. Last evaluated: 2016-06-22. Review status: criteria provided, single submitter. Criteria: LabCorp Variant Classification Summary - May 2015. Collection method: clinical testing. Allele origin: germline.
Comment: Variant summary: The TTR c.360C>T (p.Ser120Ser) variant causes a synonymous change involving a non-conserved nucleotide with 5/5 splice prediction tools predicting no significant impact on splicing and ESE finder predicts changes of binding motifs for RNA splicing enhancers, although these predictions have yet to be functionally assessed. The variant of interest was observed in the large, broad control population, ExAC, with an allele frequency of 339/121120 (1/357, 7 homozygotes), which significantly exceeds the estimated maximal expected allele frequency for a pathogenic TTR variant of 1/31948 (0.0000313), suggesting this variant is likely a benign polymorphism. In addition, multiple clinical diagnostic laboratories classified this variant as benign. Taken together, this variant is classified as benign.

Laboratory for Molecular Medicine, Mass General Brigham Personalized Medicine
Classification: Benign. Last evaluated: 2015-03-11. Review status: criteria provided, single submitter. Criteria: LMM Criteria. Collection method: clinical testing. Allele origin: germline. Observed: 13 variant alleles.
Comment: p.Ser120Ser in exon 4 of TTR: This variant is not expected to have clinical sign ificance because it has been identified in 3.5% (300/8636) of East Asian chromos omes by the Exome Aggregation Consortium (ExAC; dbSNP rs150127220).

GeneDx
Classification: Benign. Last evaluated: 2015-03-03. Review status: criteria provided, single submitter. Criteria: GeneDx Variant Classification Process June 2021. Collection method: clinical testing. Allele origin: germline. Affected: yes.

Ambry Genetics
Classification: Benign for Cardiovascular phenotype. Last evaluated: 2014-12-18. Review status: criteria provided, single submitter. Criteria: Ambry Variant Classification Scheme 2023. Collection method: clinical testing. Allele origin: germline.

Molecular Genetics Laboratory, London Health Sciences Centre
Classification: Benign for Charcot-Marie-Tooth disease. Review status: criteria provided, single submitter. Criteria: ACMG Guidelines, 2015. Collection method: clinical testing. Allele origin: germline. Affected: yes.

Molecular Genetics Laboratory, BC Children's and BC Women's Hospitals
Classification: Likely benign for Amyloidosis, hereditary systemic 1. Last evaluated: 2021-10-18. Review status: no assertion criteria provided. Criteria: ACMG Guidelines, 2015. Collection method: clinical testing. Allele origin: germline. Affected: yes. Not counted in ClinVar's aggregate classification.

PreventionGenetics, part of Exact Sciences
Classification: Benign for TTR-related condition. Last evaluated: 2019-05-29. Review status: no assertion criteria provided. Collection method: clinical testing. Allele origin: germline. Not counted in ClinVar's aggregate classification.
Comment: This variant is classified as benign based on ACMG/AMP sequence variant interpretation guidelines (Richards et al. 2015 PMID: 25741868, with internal and published modifications).

Clinical Genetics DNA and cytogenetics Diagnostics Lab, Erasmus MC, Erasmus Medical Center
Classification: Likely benign. Review status: no assertion criteria provided. Collection method: clinical testing. Allele origin: germline. Affected: yes. Study: VKGL Data-share Consensus. Not counted in ClinVar's aggregate classification.

Clinical Genetics, Academic Medical Center
Classification: Benign. Review status: no assertion criteria provided. Collection method: clinical testing. Allele origin: germline. Affected: yes. Study: VKGL Data-share Consensus. Not counted in ClinVar's aggregate classification.

Diagnostic Laboratory, Department of Genetics, University Medical Center Groningen
Classification: Likely benign. Review status: no assertion criteria provided. Collection method: clinical testing. Allele origin: germline. Affected: yes. Study: VKGL Data-share Consensus. Not counted in ClinVar's aggregate classification.

Genome Diagnostics Laboratory, University Medical Center Utrecht
Classification: Benign. Review status: no assertion criteria provided. Collection method: clinical testing. Allele origin: germline. Affected: yes. Study: VKGL Data-share Consensus. Not counted in ClinVar's aggregate classification.

Joint Genome Diagnostic Labs from Nijmegen and Maastricht, Radboudumc and MUMC+
Classification: Benign. Review status: no assertion criteria provided. Collection method: clinical testing. Allele origin: germline. Affected: yes. Study: VKGL Data-share Consensus. Not counted in ClinVar's aggregate classification.

Laboratory of Diagnostic Genome Analysis, Leiden University Medical Center (LUMC)
Classification: Benign. Review status: no assertion criteria provided. Collection method: clinical testing. Allele origin: germline. Affected: yes. Study: VKGL Data-share Consensus. Not counted in ClinVar's aggregate classification.

Literature cited by the submitters: PubMed 27562180 (cited by Athena Diagnostics); PubMed 26537620 (cited by Athena Diagnostics).

NM_000371.4(TTR):c.360C>T (p.Ser120=)

Gene: TTR (transthyretin; plus strand). Cytogenetic location: 18q12.1.
Variant type: single nucleotide variant.
Coding change: c.360C>T on transcript NM_000371.4 (MANE Select); coding-DNA position 360, C replaced by T.
Protein change: p.Ser120=; no amino-acid change (serine 120 retained).
Molecular consequence: synonymous variant.
Genome position (GRCh38, 1-based): chr18:31,598,591, C>T. VCF-style: chr18-31598591-C-T. GRCh37 (hg19) VCF-style: chr18-29178554-C-T.
Other names: p.Ser120=.
Identifiers: ClinVar variation 43453 (VCV000043453.54), dbSNP rs150127220, ClinGen allele CA132597.